The following is an entry in ClinVar:

ClinVar aggregate classification (germline): Uncertain significance. Review status: criteria provided, multiple submitters, no conflicts (2 of 4 stars). 3 submissions from 3 submitters: Uncertain significance (3). Last evaluated 2025-07-02.

Conditions:
Inborn genetic diseases. Identifiers: MedGen C0950123, MeSH D030342.

Allele frequency attached by ClinVar (database versions not stated): ExAC 0.00001; gnomAD 0.00002; TOPMed 0.00004; ESP Exome Variant Server 0.00008.

Submissions (3):

Ambry Genetics
Classification: Uncertain significance for Inborn genetic diseases. Last evaluated: 2025-07-02. Review status: criteria provided, single submitter. Criteria: Ambry Variant Classification Scheme 2023. Collection method: clinical testing. Allele origin: germline.

Labcorp Genetics (formerly Invitae), Labcorp
Classification: Uncertain significance. Last evaluated: 2025-02-09. Review status: criteria provided, single submitter. Criteria: Invitae Variant Classification Sherloc (09022015). Collection method: clinical testing. Allele origin: germline.
Comment: This sequence change replaces arginine, which is basic and polar, with cysteine, which is neutral and slightly polar, at codon 145 of the CEACAM16 protein (p.Arg145Cys). This variant is present in population databases (rs374742680, gnomAD 0.006%). This variant has not been reported in the literature in individuals affected with CEACAM16-related conditions. ClinVar contains an entry for this variant (Variation ID: 546164). Invitae Evidence Modeling of protein sequence and biophysical properties (such as structural, functional, and spatial information, amino acid conservation, physicochemical variation, residue mobility, and thermodynamic stability) indicates that this missense variant is not expected to disrupt CEACAM16 protein function with a negative predictive value of 80%. In summary, the available evidence is currently insufficient to determine the role of this variant in disease. Therefore, it has been classified as a Variant of Uncertain Significance.

GeneDx
Classification: Uncertain significance. Last evaluated: 2018-05-07. Review status: criteria provided, single submitter. Criteria: GeneDx Variant Classification (06012015). Collection method: clinical testing. Allele origin: germline. Affected: yes.
Comment: The R145C variant has not been published as a pathogenic variant, nor has it been reported as a benign variant to our knowledge. However, this variant has been identified in three unaffected individuals at GeneDx. The variant is observed in 6/107368 (0.005588%) alleles from individuals of European (Non-Finnish) background in large population cohorts (Lek et al., 2016). The variant is a non-conservative amino acid substitution, which is likely to impact secondary protein structure as these residues differ in polarity, charge, size and/or other properties. In-silico analyses, including protein predictors and evolutionary conservation, support a deleterious effect. In summary, based on the currently available information, it is unclear whether this is a pathogenic or a rare benign variant.

NM_001039213.4(CEACAM16):c.433C>T (p.Arg145Cys)

Genes: CEACAM16 (CEA cell adhesion molecule 16, tectorial membrane component; plus strand), CEACAM16-AS1 (CEACAM16, CEACAM19 and PVR antisense RNA 1; minus strand). Cytogenetic location: 19q13.32.
Variant type: single nucleotide variant.
Coding change: c.433C>T on transcript NM_001039213.4 (MANE Select); coding-DNA position 433, C replaced by T.
Protein change: p.Arg145Cys; replaces arginine 145 with cysteine.
Molecular consequence: missense variant.
Genome position (GRCh38, 1-based): chr19:44,704,068, C>T. VCF-style: chr19-44704068-C-T. GRCh37 (hg19) VCF-style: chr19-45207338-C-T.
Other names: c.433C>T (NM_001039213.2); short protein forms R145C.
Identifiers: ClinVar variation 546164 (VCV000546164.4), dbSNP rs374742680, ClinGen allele CA9503053.